The following is an entry in ClinVar:

NM_001105247.2(ARMC5):c.1428G>A (p.Trp476Ter)

Gene: ARMC5 (armadillo repeat containing 5; plus strand). Cytogenetic location: 16p11.2.
Variant type: single nucleotide variant.
Coding change: c.1428G>A on transcript NM_001105247.2 (MANE Select); coding-DNA position 1428, G replaced by A.
Protein change: p.Trp476Ter; replaces tryptophan 476 with a stop codon.
Molecular consequence: nonsense.
Genome position (GRCh38, 1-based): chr16:31,464,451, G>A. VCF-style: chr16-31464451-G-A. GRCh37 (hg19) VCF-style: chr16-31475772-G-A.
Other names: c.1713G>A, p.Trp571Ter (NM_001288767.2); c.1524G>A, p.Trp508Ter (NM_001301820.1); c.1428G>A, p.Trp476Ter (NM_024742.2); short protein forms W571*, W508*, W476*.
Identifiers: ClinVar variation 4990969 (VCV004990969.1).

ClinVar aggregate classification (germline): Pathogenic (1 of 4 stars; one submission).

Conditions:
ARMC5-related disorder. Also called: ARMC5-related condition.

Submission:

PreventionGenetics, part of Exact Sciences
Classification: Pathogenic for ARMC5-related condition. Last evaluated: 2026-02-07. Review status: criteria provided, single submitter. Criteria: ACMG Guidelines, 2015. Collection method: clinical testing. Allele origin: germline.
Comment: The ARMC5 c.1428G>A variant is predicted to result in premature protein termination (p.Trp476*). This variant was reported in several individuals with macronodular adrenal hyperplasia (Correa et al. 2015. PubMed ID: 26162405; Bouys et al. 2025. PubMed ID: 39910635). This variant has not been reported in a large population database (gnomAD), indicating this variant is rare. At the time of reporting this variant was not present in the ClinVar database. Nonsense variants in ARMC5 are expected to be pathogenic. This variant is interpreted as pathogenic.